The following is an entry in ClinVar:

ClinVar aggregate classification (germline): Benign/Likely benign. Review status: criteria provided, multiple submitters, no conflicts (2 of 4 stars). 6 submissions from 6 submitters: Benign (1); Likely benign (5). Last evaluated 2026-02-04.

Conditions:
Inborn genetic diseases. Identifiers: MedGen C0950123, MeSH D030342.
Neuronal ceroid lipofuscinosis. Also called: Neuronal Ceroid Lipofuscinoses. Identifiers: Orphanet 216, Orphanet 79263, MedGen C0027877, MONDO:0016295. Disease mechanism: loss of function.

Allele frequency attached by ClinVar (database versions not stated): ExAC 0.00010; gnomAD 0.00036 and 0.00056; TOPMed 0.00056; gnomAD exomes 0.00058; 1000 Genomes Project 30x 0.00297; 1000 Genomes Project 0.00339.
gnomAD v4.1: 685 of 1,468,106 alleles (0.047%); highest among the groups gnomAD compares: East Asian, 1.8%; 9 homozygotes.

Submissions (6):

Labcorp Genetics (formerly Invitae), Labcorp
Classification: Likely benign for Neuronal ceroid lipofuscinosis. Last evaluated: 2026-02-04. Review status: criteria provided, single submitter. Criteria: Invitae Variant Classification Sherloc (09022015). Collection method: clinical testing. Allele origin: germline.

Blueprint Genetics
Classification: Likely benign. Last evaluated: 2024-09-17. Review status: criteria provided, single submitter. Criteria: ACMG Guidelines, 2015. Collection method: clinical testing. Allele origin: germline.

CeGaT Center for Human Genetics Tuebingen
Classification: Likely benign. Last evaluated: 2024-02-01. Review status: criteria provided, single submitter. Criteria: CeGaT Center For Human Genetics Tuebingen Variant Classification Criteria Version 2. Collection method: clinical testing. Allele origin: germline. Affected: yes. Observed: 1 variant allele.
Comment: CLN6: BP4, BP7, BS1

Ambry Genetics
Classification: Likely benign for Inborn genetic diseases. Last evaluated: 2018-01-22. Review status: criteria provided, single submitter. Criteria: Ambry Variant Classification Scheme 2023. Collection method: clinical testing. Allele origin: germline.

Illumina Laboratory Services, Illumina
Classification: Likely benign for Neuronal ceroid lipofuscinosis. Last evaluated: 2018-01-13. Review status: criteria provided, single submitter. Criteria: ICSL Variant Classification Criteria 13 December 2019. Collection method: clinical testing. Allele origin: germline.
Comment: This variant was observed in the ICSL laboratory as part of a predisposition screen in an ostensibly healthy population. It had not been previously curated by ICSL or reported in the Human Gene Mutation Database (HGMD: prior to June 1st, 2018), and was therefore a candidate for classification through an automated scoring system. Utilizing variant allele frequency, disease prevalence and penetrance estimates, and inheritance mode, an automated score was calculated to assess if this variant is too frequent to cause the disease. Based on the score and internal cut-off values, a variant classified as likely benign is not then subjected to further curation. The score for this variant resulted in a classification of likely benign for this disease.

GeneDx
Classification: Benign. Last evaluated: 2015-03-03. Review status: criteria provided, single submitter. Criteria: GeneDx Variant Classification Process June 2021. Collection method: clinical testing. Allele origin: germline. Affected: yes.

NM_017882.3(CLN6):c.42C>A (p.Gly14=)

Gene: CLN6 (CLN6 transmembrane ER protein; minus strand). Cytogenetic location: 15q23.
Variant type: single nucleotide variant.
Coding change: c.42C>A on transcript NM_017882.3 (MANE Select); coding-DNA position 42, C replaced by A.
Protein change: p.Gly14=; no amino-acid change (glycine 14 retained).
Molecular consequence: synonymous variant.
Genome position (GRCh38, 1-based): chr15:68,229,543, G>T on the plus strand (C>A on the coding strand, the complement: CLN6 is on the minus strand). VCF-style: chr15-68229543-G-T. GRCh37 (hg19) VCF-style: chr15-68521881-G-T.
Identifiers: ClinVar variation 316998 (VCV000316998.42), dbSNP rs373776911, ClinGen allele CA7630731.